The following is an entry in ClinVar:

NM_001364905.1(LRBA):c.4598C>T (p.Ala1533Val)

Gene: LRBA (LPS responsive beige-like anchor protein; minus strand). Cytogenetic location: 4q31.3.
Variant type: single nucleotide variant.
Coding change: c.4598C>T on transcript NM_001364905.1 (MANE Select); coding-DNA position 4598, C replaced by T.
Protein change: p.Ala1533Val; replaces alanine 1533 with valine.
Molecular consequence: missense variant.
Genome position (GRCh38, 1-based): chr4:150,831,948, G>A on the plus strand (C>T on the coding strand, the complement: LRBA is on the minus strand). VCF-style: chr4-150831948-G-A. GRCh37 (hg19) VCF-style: chr4-151753100-G-A.
Other names: c.4598C>T, p.Ala1533Val (NM_001199282.3, NM_001367550.1, NM_006726.5); short protein forms A1533V.
Identifiers: ClinVar variation 1472851 (VCV001472851.8), dbSNP rs1464339209, ClinGen allele CA358446632.
Genomic context (GRCh38, chr4:150,831,948, plus strand): 5'-TCCAAAATGTCTCTGTACTTGGAGACCATAAGAACAGAGATAAAGTATACTACTGCCAAG[G>A]CTAAAAATTGAGCTTGTTTGCTATCCTCCTGGGAAAAAAAATTAAAGGAGTTGATTATGT-3'
Protein context (NP_001351834.1, residues 1523-1543): IEDSKQAQFL[Ala1533Val]LAVVYFISVL

ClinVar aggregate classification (germline): Uncertain significance (1 of 4 stars; one submission).

Conditions:
Combined immunodeficiency due to LRBA deficiency. Also called: Common variable immunodeficiency 8, with autoimmunity. Identifiers: Orphanet 445018, MedGen C3553512, MONDO:0013863, OMIM 614700.

Allele frequency attached by ClinVar (database versions not stated): gnomAD exomes below 0.00001; TOPMed below 0.00001.

Submission:

Labcorp Genetics (formerly Invitae), Labcorp
Classification: Uncertain significance for Combined immunodeficiency due to LRBA deficiency. Last evaluated: 2021-04-27. Review status: criteria provided, single submitter. Criteria: Invitae Variant Classification Sherloc (09022015). Collection method: clinical testing. Allele origin: germline.
Comment: In summary, the available evidence is currently insufficient to determine the role of this variant in disease. Therefore, it has been classified as a Variant of Uncertain Significance. Algorithms developed to predict the effect of missense changes on protein structure and function are either unavailable or do not agree on the potential impact of this missense change (SIFT: "Deleterious"; PolyPhen-2: "Probably Damaging"; Align-GVGD: "Class C0"). This variant has not been reported in the literature in individuals with LRBA-related conditions. This variant is not present in population databases (ExAC no frequency). This sequence change replaces alanine with valine at codon 1533 of the LRBA protein (p.Ala1533Val). The alanine residue is weakly conserved and there is a small physicochemical difference between alanine and valine.